The following is an entry in ClinVar:

Conditions:
Breast-ovarian cancer, familial, susceptibility to, 1 (BROVCA1). Also called: BRCA1 Hereditary Breast and Ovarian Cancer; OVARIAN CANCER, SUSCEPTIBILITY TO. Identifiers: Orphanet 145, MedGen C2676676, MONDO:0011450, OMIM 604370. Disease mechanism: loss of function.

Submission:

Brotman Baty Institute, University of Washington
No classification provided (evidence only). Condition: Breast-ovarian cancer, familial 1. Review status: no classification provided. Collection method: in vitro. Allele origin: not applicable. Functional consequence: functionally_normal.
ClinVar note: "not provided" was previously submitted as the classification for the variant. However, the classification appeared to be based only on an observation of functional data so it was converted to no classification on 2025-07-30.

NM_007294.4(BRCA1):c.166A>C (p.Lys56Gln)

Gene: BRCA1 (BRCA1 DNA repair associated; minus strand). Cytogenetic location: 17q21.31.
Variant type: single nucleotide variant.
Coding change: c.166A>C on transcript NM_007294.4 (MANE Select); coding-DNA position 166, A replaced by C.
Protein change: p.Lys56Gln; replaces lysine 56 with glutamine.
Molecular consequence: missense variant. On other transcripts: non-coding transcript variant (1).
Genome position (GRCh38, 1-based): chr17:43,106,502, T>G on the plus strand (A>C on the coding strand, the complement: BRCA1 is on the minus strand). VCF-style: chr17-43106502-T-G. GRCh37 (hg19) VCF-style: chr17-41258519-T-G.
Other names: c.25A>C, p.Lys9Gln (NM_001407740.1, NM_001407741.1, NM_001407742.1 and 99 more transcripts); c.-23A>C (NM_001407853.1, NM_001407886.1, NM_001407887.1 and 58 more transcripts); c.166A>C, p.Lys56Gln (NM_001407937.1, NM_001407938.1, NM_001407939.1 and 168 more transcripts); short protein forms K9Q, K56Q.
Identifiers: ClinVar variation 867293 (VCV000867293.3), dbSNP rs2054785999, ClinGen allele CA10601824.